The following is an entry in ClinVar:

NM_170754.4(TNS2):c.2995G>A (p.Ala999Thr)

Gene: TNS2 (tensin 2; plus strand). Cytogenetic location: 12q13.13.
Variant type: single nucleotide variant.
Coding change: c.2995G>A on transcript NM_170754.4 (MANE Select); coding-DNA position 2995, G replaced by A.
Protein change: p.Ala999Thr; replaces alanine 999 with threonine.
Molecular consequence: missense variant.
Genome position (GRCh38, 1-based): chr12:53,060,901, G>A. VCF-style: chr12-53060901-G-A. GRCh37 (hg19) VCF-style: chr12-53454685-G-A.
Other names: c.2995G>A, p.Ala999Thr (NM_001416202.1); c.2953G>A, p.Ala985Thr (NM_001416203.1); c.3022G>A, p.Ala1008Thr (NM_001416204.1); c.2926G>A, p.Ala976Thr (NM_015319.3); c.2623G>A, p.Ala875Thr (NM_198316.2); short protein forms A999T, A875T, A1009T, A1008T, A976T, A985T.
Identifiers: ClinVar variation 1959074 (VCV001959074.8), dbSNP rs764835235, ClinGen allele CA6592745.

ClinVar aggregate classification (germline): Uncertain significance. Review status: criteria provided, multiple submitters, no conflicts (2 of 4 stars). 2 submissions from 2 submitters: Uncertain significance (2). Last evaluated 2025-06-04.

Allele frequency attached by ClinVar (database versions not stated): gnomAD exomes 0.00004; TOPMed 0.00012; ExAC 0.00013; gnomAD 0.00002.

Submissions (2):

Ambry Genetics
Classification: Uncertain significance. Last evaluated: 2025-06-04. Review status: criteria provided, single submitter. Criteria: Ambry Variant Classification Scheme 2023. Collection method: clinical testing. Allele origin: germline.

Labcorp Genetics (formerly Invitae), Labcorp
Classification: Uncertain significance. Last evaluated: 2022-10-06. Review status: criteria provided, single submitter. Criteria: Invitae Variant Classification Sherloc (09022015). Collection method: clinical testing. Allele origin: germline.
Comment: In summary, the available evidence is currently insufficient to determine the role of this variant in disease. Therefore, it has been classified as a Variant of Uncertain Significance. Algorithms developed to predict the effect of missense changes on protein structure and function output the following: SIFT: "Tolerated"; PolyPhen-2: "Benign"; Align-GVGD: "Class C0". The threonine amino acid residue is found in multiple mammalian species, which suggests that this missense change does not adversely affect protein function. This variant has not been reported in the literature in individuals affected with TNS2-related conditions. This variant is present in population databases (rs764835235, gnomAD 0.1%), and has an allele count higher than expected for a pathogenic variant. This sequence change replaces alanine, which is neutral and non-polar, with threonine, which is neutral and polar, at codon 1009 of the TNS2 protein (p.Ala1009Thr).